The following is an entry in ClinVar:

ClinVar aggregate classification (germline): Conflicting classifications of pathogenicity. Review status: criteria provided, conflicting classifications (1 of 4 stars). 3 submissions from 3 submitters: Likely pathogenic (1); Uncertain significance (2). Last evaluated 2023-11-06.

Conditions:
Hereditary cancer-predisposing syndrome. Also called: Neoplastic Syndromes, Hereditary; Hereditary neoplastic syndrome; Hereditary Cancer Syndrome; Tumor predisposition. Identifiers: Orphanet 140162, MedGen C0027672, MeSH D009386, MONDO:0015356.

Submissions (3):

Quest Diagnostics Nichols Institute San Juan Capistrano
Classification: Uncertain significance. Last evaluated: 2023-11-06. Review status: criteria provided, single submitter. Criteria: Quest Diagnostics criteria. Collection method: clinical testing. Allele origin: unknown.
Comment: The BRCA2 c.9117+3A>G variant has been reported in the published literature in a family with a history of breast and/or ovarian cancer (PMID: 30675319 (2019)). This variant has not been reported in large, multi-ethnic general populations (Genome Aggregation Database). Analysis of this variant using software algorithms for the prediction of the effect of nucleotide changes on BRCA2 mRNA splicing yielded inconclusive findings. Based on the available information, we are unable to determine the clinical significance of this variant.

Ambry Genetics
Classification: Likely pathogenic for Hereditary cancer-predisposing syndrome. Last evaluated: 2022-01-06. Review status: criteria provided, single submitter. Criteria: Ambry Variant Classification Scheme 2023. Collection method: clinical testing. Allele origin: germline.
Comment: The c.9117+3A>G intronic variant results from an A to G substitution 3 nucleotides after coding exon 22 in the BRCA2 gene. This nucleotide position is well conserved in available vertebrate species. In silico splice site analysis predicts that this alteration will weaken the native splice donor site. RNA studies have demonstrated that this alteration results in abnormal splicing in the set of samples tested (Ambry internal data). Based on the majority of available evidence to date, this variant is likely to be pathogenic.

GeneDx
Classification: Uncertain significance. Last evaluated: 2017-09-21. Review status: criteria provided, single submitter. Criteria: GeneDx Variant Classification (06012015). Collection method: clinical testing. Allele origin: germline. Affected: yes.
Comment: This variant is denoted BRCA2 c.9117+3A>G or IVS23+3A>G and consists of an A>G nucleotidesubstitution at the +3 position of intron 23 of the BRCA2 gene. Using alternate nomenclature, this variant would bedefined as BRCA2 9345+3A>G. This variant has not, to our knowledge, been published in the literature as pathogenicor benign. This variant was not observed in large population cohorts (NHLBI Exome Sequencing Project, The 1000Genomes Consortium 2015, Lek 2016). The adenine (A) nucleotide that is altered is not conserved. In silico splicingmodels are uninformative; therefore, in the absence of RNA or functional studies, the actual effect of this variant isunknown. Based on currently available information, it is unclear whether BRCA2 c.9117+3A>G is pathogenic orbenign. We consider it to be a variant of uncertain significance.

Literature cited by the submitters: PubMed 30675319 (cited by Quest Diagnostics Nichols Institute San Juan Capistrano).

NM_000059.4(BRCA2):c.9117+3A>G

Gene: BRCA2 (BRCA2 DNA repair associated; plus strand). Cytogenetic location: 13q13.1.
Variant type: single nucleotide variant.
Coding change: c.9117+3A>G on transcript NM_000059.4 (MANE Select); 3 bases into the intron after coding-DNA position 9117, A replaced by G.
Molecular consequence: intron variant.
Genome position (GRCh38, 1-based): chr13:32,379,916, A>G. VCF-style: chr13-32379916-A-G. GRCh37 (hg19) VCF-style: chr13-32954053-A-G.
Identifiers: ClinVar variation 448993 (VCV000448993.5), dbSNP rs1555288517, ClinGen allele CA658656427.